The following is an entry in ClinVar:

NM_005236.3(ERCC4):c.947C>T (p.Thr316Met)

Gene: ERCC4 (ERCC excision repair 4, endonuclease catalytic subunit; plus strand). Cytogenetic location: 16p13.12.
Variant type: single nucleotide variant.
Coding change: c.947C>T on transcript NM_005236.3 (MANE Select); coding-DNA position 947, C replaced by T.
Protein change: p.Thr316Met; replaces threonine 316 with methionine.
Molecular consequence: missense variant.
Genome position (GRCh38, 1-based): chr16:13,930,864, C>T. VCF-style: chr16-13930864-C-T. GRCh37 (hg19) VCF-style: chr16-14024721-C-T.
Other names: short protein forms T316M.
Identifiers: ClinVar variation 998622 (VCV000998622.9), dbSNP rs1340754747, ClinGen allele CA394804818.

ClinVar aggregate classification (germline): Uncertain significance. Review status: criteria provided, multiple submitters, no conflicts (2 of 4 stars). 2 submissions from 2 submitters: Uncertain significance (2). Last evaluated 2022-10-13.

Conditions:
Xeroderma pigmentosum (XP). Identifiers: Orphanet 910, MedGen C0043346, MONDO:0019600.
Cockayne syndrome. Identifiers: Orphanet 191, MedGen C0009207, MONDO:0016006.
Fanconi anemia complementation group Q. Identifiers: Orphanet 84, MedGen C3808988, MONDO:0014108, OMIM 615272.
Xeroderma pigmentosum, group F (XPF). Also called: XERODERMA PIGMENTOSUM, TYPE F; Xeroderma pigmentosum, type 6; ERCC4-Related Xeroderma Pigmentosum; XERODERMA PIGMENTOSUM VI; XP, GROUP F; XERODERMA PIGMENTOSUM, COMPLEMENTATION GROUP F. Identifiers: MedGen C0268140, MONDO:0010215, OMIM 278760.

Allele frequency attached by ClinVar (database versions not stated): gnomAD exomes 0.00001; TOPMed 0.00005.
gnomAD v4.1: 13 of 1,612,916 alleles (0.00081%); highest among the groups gnomAD compares: Admixed American, 0.005%; no homozygotes.

Submissions (2):

Labcorp Genetics (formerly Invitae), Labcorp
Classification: Uncertain significance for Fanconi anemia complementation group Q; Xeroderma pigmentosum, group F; Cockayne syndrome. Last evaluated: 2022-10-13. Review status: criteria provided, single submitter. Criteria: Invitae Variant Classification Sherloc (09022015). Collection method: clinical testing. Allele origin: germline.
Comment: In summary, the available evidence is currently insufficient to determine the role of this variant in disease. Therefore, it has been classified as a Variant of Uncertain Significance. Advanced modeling of protein sequence and biophysical properties (such as structural, functional, and spatial information, amino acid conservation, physicochemical variation, residue mobility, and thermodynamic stability) performed at Invitae indicates that this missense variant is not expected to disrupt ERCC4 protein function. ClinVar contains an entry for this variant (Variation ID: 998622). This variant has not been reported in the literature in individuals affected with ERCC4-related conditions. This variant is present in population databases (no rsID available, gnomAD 0.006%). This sequence change replaces threonine, which is neutral and polar, with methionine, which is neutral and non-polar, at codon 316 of the ERCC4 protein (p.Thr316Met).

Sema4
Classification: Uncertain significance for Xeroderma pigmentosum. Last evaluated: 2022-02-14. Review status: criteria provided, single submitter. Criteria: Sema4 Curation Guidelines. Collection method: curation. Allele origin: germline.
Comment: The ERCC4 c.947C>T (p.T316M) variant has not been reported in the literature to our knowledge. It was observed in 2/34590 chromosomes of the Latino subpopulation in the large and broad cohorts of the Genome Aggregation Database (PMID: 32461654). The variant has been reported in ClinVar (Variation ID 998622). In silico tools suggest the impact of the variant on protein function is benign, though these predictions have not been confirmed by functional studies. The evidence is insufficient to meet ACMG/AMP criteria for classifying the variant as benign or pathogenic. Thus, the clinical significance of this variant is currently uncertain.